The following is an entry in ClinVar:

NC_000017.11:g.(?_3657995)_(3660744_?)del

Genes: CTNS (cystinosin, lysosomal cystine transporter; plus strand), CTNS-AS1 (CTNS antisense RNA 1; minus strand). Cytogenetic location: 17p13.2.
Variant type: Deletion.
Identifiers: ClinVar variation 645871 (VCV000645871.4).

ClinVar aggregate classification (germline): Pathogenic. Review status: criteria provided, single submitter (1 of 4 stars). 2 submissions from 1 submitter: Pathogenic (2). Last evaluated 2018-12-14.

Conditions:
Inborn genetic diseases. Identifiers: MedGen C0950123, MeSH D030342.
Juvenile nephropathic cystinosis. Also called: Intermediate Cystinosis; CYSTINOSIS, LATE-ONSET JUVENILE OR ADOLESCENT NEPHROPATHIC TYPE; Later-Onset (Juvenile) Cystinosis. Identifiers: Orphanet 213, Orphanet 411634, MedGen C0268626, MONDO:0009066, OMIM 219900.
Ocular cystinosis. Also called: Non-Nephropathic Cystinosis; Non-Nephropathic (Ocular) Cystinosis. Identifiers: Orphanet 213, Orphanet 411641, MedGen C2931013, MONDO:0009064, OMIM 219750.
Nephropathic cystinosis (CTNS). Also called: CYSTINOSIN, DEFECT OF; LYSOSOMAL CYSTINE TRANSPORT PROTEIN, DEFECT OF; Abderhalden Lignac Kaufmann disease; Abderhalden-Kaufmann-Lignac syndrome. Identifiers: Orphanet 213, Orphanet 411629, MedGen C2931187, MONDO:0100151, OMIM 219800.

Submissions (2):

Labcorp Genetics (formerly Invitae), Labcorp
Classification: Pathogenic for Nephropathic cystinosis; Ocular cystinosis; Juvenile nephropathic cystinosis. Last evaluated: 2018-12-14. Review status: criteria provided, single submitter. Criteria: Invitae Variant Classification Sherloc (09022015). Collection method: clinical testing. Allele origin: germline.
Comment: This variant is a gross deletion of the genomic region encompassing exons 10-12 of the CTNS gene. The 5' boundary is likely confined to intron 9. The 3' end of this event is unknown as it extends through the termination codon beyond the assayed region for this gene and may encompass additional genes. While this deletion is not anticipated to result in nonsense mediated decay, it is expected to create a truncated protein product or disrupt mRNA translation. This variant has not been reported in the literature in individuals with CTNS-related conditions. This variant disrupts the C-terminus of the CTNS protein. Other variant(s) that disrupt this region (p.Thr251Argfs*44, p.Gly258Serfs*30) have been determined to be pathogenic (PMID:Â¬â€ 26266097, 10556299,Â¬â€ 18752449). This suggests that variants that disrupt this region of the protein are likely to be causative of disease. For these reasons, this variant has been classified as Pathogenic.

Labcorp Genetics (formerly Invitae), Labcorp
Classification: Pathogenic for Inborn genetic diseases; Ocular cystinosis; Juvenile nephropathic cystinosis. Last evaluated: 2018-12-05. Review status: criteria provided, single submitter. Criteria: Invitae Variant Classification Sherloc (09022015). Collection method: clinical testing. Allele origin: germline.
Comment: For these reasons, this variant has been classified as Pathogenic. This variant disrupts the C-terminus of the CTNS protein. Other variant(s) that disrupt this region (p.Thr251Argfs*44, p.Gly258Serfs*30) have been determined to be pathogenic (PMID:¬†26266097, 10556299,¬†18752449). This suggests that variants that disrupt this region of the protein are likely to be causative of disease. This variant has not been reported in the literature in individuals with CTNS-related conditions. This variant is a gross deletion of the genomic region encompassing exons 10-12 of the CTNS gene. The 5' boundary is likely confined to intron 9. The 3' end of this event is unknown as it extends through the termination codon beyond the assayed region for this gene and may encompass additional genes. While this deletion is not anticipated to result in nonsense mediated decay, it is expected to create a truncated protein product or disrupt mRNA translation.